The following is an entry in ClinVar:

NM_001197104.2(KMT2A):c.9385G>A (p.Gly3129Arg)

Gene: KMT2A (lysine methyltransferase 2A; plus strand). Cytogenetic location: 11q23.3.
Variant type: single nucleotide variant.
Coding change: c.9385G>A on transcript NM_001197104.2 (MANE Select); coding-DNA position 9385, G replaced by A.
Protein change: p.Gly3129Arg; replaces glycine 3129 with arginine.
Molecular consequence: missense variant.
Genome position (GRCh38, 1-based): chr11:118,505,277, G>A. VCF-style: chr11-118505277-G-A. GRCh37 (hg19) VCF-style: chr11-118375992-G-A.
Other names: c.9475G>A, p.Gly3159Arg (NM_001412597.1); c.9376G>A, p.Gly3126Arg (NM_005933.4); short protein forms G3126R, G3159R, G3129R.
Identifiers: ClinVar variation 2880921 (VCV002880921.3), dbSNP rs1353151956, ClinGen allele CA382820239.

ClinVar aggregate classification (germline): Uncertain significance (1 of 4 stars; one submission).

Allele frequency attached by ClinVar (database versions not stated): TOPMed below 0.00001; gnomAD exomes 0.00001; gnomAD 0.00001.
gnomAD v4.1: 4 of 1,614,032 alleles (0.00025%); highest among the groups gnomAD compares: Non-Finnish European, 0.00034%; no homozygotes.

Submission:

Labcorp Genetics (formerly Invitae), Labcorp
Classification: Uncertain significance. Last evaluated: 2026-01-07. Review status: criteria provided, single submitter. Criteria: Invitae Variant Classification Sherloc (09022015). Collection method: clinical testing. Allele origin: germline.
Comment: This sequence change replaces glycine, which is neutral and non-polar, with arginine, which is basic and polar, at codon 3129 of the KMT2A protein (p.Gly3129Arg). This variant is not present in population databases (gnomAD no frequency). This variant has not been reported in the literature in individuals affected with KMT2A-related conditions. ClinVar contains an entry for this variant (Variation ID: 2880921). Invitae Evidence Modeling of protein sequence and biophysical properties (such as structural, functional, and spatial information, amino acid conservation, physicochemical variation, residue mobility, and thermodynamic stability) indicates that this missense variant is not expected to disrupt KMT2A protein function with a negative predictive value of 95%. In summary, the available evidence is currently insufficient to determine the role of this variant in disease. Therefore, it has been classified as a Variant of Uncertain Significance.